The following is an entry in ClinVar:

ClinVar aggregate classification (germline): Uncertain significance. Review status: criteria provided, multiple submitters, no conflicts (2 of 4 stars). 3 submissions from 3 submitters: Uncertain significance (3). Last evaluated 2026-07-08.

Conditions:
Hereditary cancer-predisposing syndrome. Also called: Tumor predisposition; Hereditary Cancer Syndrome; Hereditary neoplastic syndrome; Neoplastic Syndromes, Hereditary. Identifiers: Orphanet 140162, MedGen C0027672, MeSH D009386, MONDO:0015356.
Retinoblastoma (RB1). Also called: RETINOBLASTOMA, SOMATIC. Identifiers: Orphanet 790, MedGen C0035335, MeSH D012175, MONDO:0008380, OMIM 180200, HP:0009919. Disease mechanism: loss of function. Inheritance: Both sporadic and heritable forms are tested..

Allele frequency attached by ClinVar (database versions not stated): gnomAD 0.00001; TOPMed below 0.00001.
gnomAD v4.1: 1 of 1,612,426 alleles (0.000062%); highest among the groups gnomAD compares: African/African-American, 0.0013%; no homozygotes.

Submissions (3):

Ambry Genetics
Classification: Uncertain significance for Hereditary cancer-predisposing syndrome. Last evaluated: 2026-07-08. Review status: criteria provided, single submitter. Criteria: Ambry Variant Classification Scheme 2023. Collection method: clinical testing. Allele origin: germline.
Comment: The p.Y454C variant (also known as c.1361A>G), located in coding exon 14 of the RB1 gene, results from an A to G substitution at nucleotide position 1361. The tyrosine at codon 454 is replaced by cysteine, an amino acid with highly dissimilar properties. This amino acid position is highly conserved in available vertebrate species. In addition, this alteration is predicted to be deleterious by in silico analysis. Based on the available evidence, the clinical significance of this variant remains unclear.

GeneDx
Classification: Uncertain significance. Last evaluated: 2025-06-17. Review status: criteria provided, single submitter. Criteria: GeneDx Variant Classification Process June 2021. Collection method: clinical testing. Allele origin: germline. Affected: yes.
Comment: Not observed at significant frequency in large population cohorts (gnomAD); In silico analysis supports that this missense variant has a deleterious effect on protein structure/function; Has not been previously published as pathogenic or benign to our knowledge; This variant is associated with the following publications: (PMID: 23516486, Dayalan_2006_Review)

Labcorp Genetics (formerly Invitae), Labcorp
Classification: Uncertain significance for Retinoblastoma. Last evaluated: 2020-01-13. Review status: criteria provided, single submitter. Criteria: Invitae Variant Classification Sherloc (09022015). Collection method: clinical testing. Allele origin: germline.
Comment: This variant has not been reported in the literature in individuals with RB1-related conditions. This variant is not present in population databases (ExAC no frequency). This sequence change replaces tyrosine with cysteine at codon 454 of the RB1 protein (p.Tyr454Cys). The tyrosine residue is highly conserved and there is a large physicochemical difference between tyrosine and cysteine. Algorithms developed to predict the effect of missense changes on protein structure and function (SIFT, PolyPhen-2, Align-GVGD) all suggest that this variant is likely to be disruptive, but these predictions have not been confirmed by published functional studies and their clinical significance is uncertain. In summary, the available evidence is currently insufficient to determine the role of this variant in disease. Therefore, it has been classified as a Variant of Uncertain Significance.

NM_000321.3(RB1):c.1361A>G (p.Tyr454Cys)

Gene: RB1 (RB transcriptional corepressor 1; plus strand). Cytogenetic location: 13q14.2.
Variant type: single nucleotide variant.
Coding change: c.1361A>G on transcript NM_000321.3 (MANE Select); coding-DNA position 1361, A replaced by G.
Protein change: p.Tyr454Cys; replaces tyrosine 454 with cysteine.
Molecular consequence: missense variant.
Genome position (GRCh38, 1-based): chr13:48,379,622, A>G. VCF-style: chr13-48379622-A-G. GRCh37 (hg19) VCF-style: chr13-48953758-A-G.
Other names: c.1361A>G (NM_000321.2); short protein forms Y454C.
Identifiers: ClinVar variation 1059295 (VCV001059295.12), dbSNP rs1281607292, ClinGen allele CA388162591.
Genomic context (GRCh38, chr13:48,379,622, plus strand): 5'-AGGCTCTTATTTTTCTTTTTGTTTGTTTGTAGCGATACAAACTTGGAGTTCGCTTGTATT[A>G]CCGAGTAATGGAATCCATGCTTAAATCAGTAAGTTAAAAACAATATAAAAAAATTTCAGC-3'
Protein context (NP_000312.2, residues 444-464): QRYKLGVRLY[Tyr454Cys]RVMESMLKSE